The following is an entry in ClinVar:

NM_004415.4(DSP):c.6403G>A (p.Val2135Ile)

Gene: DSP (desmoplakin; plus strand). Cytogenetic location: 6p24.3.
Variant type: single nucleotide variant.
Coding change: c.6403G>A on transcript NM_004415.4 (MANE Select); coding-DNA position 6403, G replaced by A.
Protein change: p.Val2135Ile; replaces valine 2135 with isoleucine.
Molecular consequence: missense variant.
Genome position (GRCh38, 1-based): chr6:7,583,665, G>A. VCF-style: chr6-7583665-G-A. GRCh37 (hg19) VCF-style: chr6-7583898-G-A.
Other names: c.4606G>A, p.Val1536Ile (NM_001008844.3); c.5074G>A, p.Val1692Ile (NM_001319034.2); short protein forms V2135I, V1692I, V1536I.
Identifiers: ClinVar variation 1516377 (VCV001516377.8), dbSNP rs1416815807, ClinGen allele CA362690716.

ClinVar aggregate classification (germline): Uncertain significance (1 of 4 stars; one submission).

Conditions:
Arrhythmogenic right ventricular dysplasia 8 (ARVD8). Also called: Arrhythmogenic Right Ventricular Dysplasia/Cardiomyopathy 8; ARRHYTHMOGENIC RIGHT VENTRICULAR DYSPLASIA, FAMILIAL, 8; ARRHYTHMOGENIC RIGHT VENTRICULAR CARDIOMYOPATHY 8. Identifiers: MedGen C1843896, MONDO:0011831, OMIM 607450.
Arrhythmogenic cardiomyopathy with wooly hair and keratoderma. Also called: Arrhythmogenic cardiomyopathy with woolly hair and keratoderma; Carvajal syndrome; PALMOPLANTAR KERATODERMA WITH LEFT VENTRICULAR CARDIOMYOPATHY AND WOOLLY HAIR; Dilated cardiomyopathy with woolly hair and keratoderma. Identifiers: Orphanet 65282, MedGen C1854063, MONDO:0011581, OMIM 605676.

Allele frequency attached by ClinVar (database versions not stated): gnomAD 0.00001; TOPMed 0.00001.
gnomAD v4.1: 2 of 1,614,054 alleles (0.00012%); highest among the groups gnomAD compares: African/African-American, 0.0027%; no homozygotes.

Submission:

Labcorp Genetics (formerly Invitae), Labcorp
Classification: Uncertain significance for Arrhythmogenic cardiomyopathy with wooly hair and keratoderma; Arrhythmogenic right ventricular dysplasia 8. Last evaluated: 2024-10-18. Review status: criteria provided, single submitter. Criteria: Invitae Variant Classification Sherloc (09022015). Collection method: clinical testing. Allele origin: germline.
Comment: This sequence change replaces valine, which is neutral and non-polar, with isoleucine, which is neutral and non-polar, at codon 2135 of the DSP protein (p.Val2135Ile). This variant is present in population databases (no rsID available, gnomAD 0.01%). This variant has not been reported in the literature in individuals affected with DSP-related conditions. ClinVar contains an entry for this variant (Variation ID: 1516377). An algorithm developed to predict the effect of missense changes on protein structure and function (PolyPhen-2) suggests that this variant is likely to be tolerated. In summary, the available evidence is currently insufficient to determine the role of this variant in disease. Therefore, it has been classified as a Variant of Uncertain Significance.